The following is an entry in ClinVar:

NM_213599.3(ANO5):c.1921C>T (p.Arg641Cys)

Gene: ANO5 (anoctamin 5; plus strand). Cytogenetic location: 11p14.3.
Variant type: single nucleotide variant.
Coding change: c.1921C>T on transcript NM_213599.3 (MANE Select); coding-DNA position 1921, C replaced by T.
Protein change: p.Arg641Cys; replaces arginine 641 with cysteine.
Molecular consequence: missense variant.
Genome position (GRCh38, 1-based): chr11:22,270,334, C>T. VCF-style: chr11-22270334-C-T. GRCh37 (hg19) VCF-style: chr11-22291880-C-T.
Other names: c.1918C>T, p.Arg640Cys (NM_001142649.2); short protein forms R640C, R641C.
Identifiers: ClinVar variation 1308394 (VCV001308394.10), dbSNP rs372674175, ClinGen allele CA5923406.
Genomic context (GRCh38, chr11:22,270,334, plus strand): 5'-GTCCTATTTCATATATTAACTTTTATCACTTCCAACAGCTTGGCTTTGAATTGGTGGAGA[C>T]GCCGAAAAGCTCGGACAAACTCTGAGAAGCTGTATAGTCGATGGGAGCAGGATCATGACC-3'
Protein context (NP_998764.1, residues 631-651): IYPLALNWWR[Arg641Cys]RKARTNSEKL

ClinVar aggregate classification (germline): Uncertain significance. Review status: criteria provided, multiple submitters, no conflicts (2 of 4 stars). 4 submissions from 4 submitters: Uncertain significance (4). Last evaluated 2025-08-18.

Conditions:
Gnathodiaphyseal dysplasia (GDD). Also called: GNATHODIAPHYSEAL SCLEROSIS; OSTEOGENESIS IMPERFECTA WITH UNUSUAL SKELETAL LESIONS. Identifiers: Orphanet 53697, MedGen C1833736, MONDO:0008151, OMIM 166260.
Autosomal recessive limb-girdle muscular dystrophy type 2L (LGMDR12). Also called: Limb-Girdle Muscular Dystrophy R12 Anoctamin-5-Related (LGMD-R12); MUSCULAR DYSTROPHY, LIMB-GIRDLE, AUTOSOMAL RECESSIVE 12; Limb-girdle muscular dystrophy, type 2L. Identifiers: Orphanet 206549, MedGen C1969785, MONDO:0012652, OMIM 611307.

Allele frequency attached by ClinVar (database versions not stated): ExAC 0.00002; gnomAD exomes 0.00002; ESP Exome Variant Server 0.00008.
gnomAD v4.1: 13 of 1,613,962 alleles (0.00081%); highest among the groups gnomAD compares: Middle Eastern, 0.016%; no homozygotes.

Submissions (4):

Labcorp Genetics (formerly Invitae), Labcorp
Classification: Uncertain significance for Autosomal recessive limb-girdle muscular dystrophy type 2L; Gnathodiaphyseal dysplasia. Last evaluated: 2025-08-18. Review status: criteria provided, single submitter. Criteria: Invitae Variant Classification Sherloc (09022015). Collection method: clinical testing. Allele origin: germline.
Comment: This sequence change replaces arginine, which is basic and polar, with cysteine, which is neutral and slightly polar, at codon 641 of the ANO5 protein (p.Arg641Cys). This variant is present in population databases (rs372674175, gnomAD 0.006%). This variant has not been reported in the literature in individuals affected with ANO5-related conditions. ClinVar contains an entry for this variant (Variation ID: 1308394). Invitae Evidence Modeling of protein sequence and biophysical properties (such as structural, functional, and spatial information, amino acid conservation, physicochemical variation, residue mobility, and thermodynamic stability) has been performed for this missense variant. However, the output from this modeling did not meet the statistical confidence thresholds required to predict the impact of this variant on ANO5 protein function. In summary, the available evidence is currently insufficient to determine the role of this variant in disease. Therefore, it has been classified as a Variant of Uncertain Significance.

Blueprint Genetics
Classification: Uncertain significance. Last evaluated: 2021-03-26. Review status: criteria provided, single submitter. Criteria: ACMG Guidelines, 2015. Collection method: clinical testing. Allele origin: germline.

Revvity Omics, Revvity
Classification: Uncertain significance. Last evaluated: 2019-10-10. Review status: criteria provided, single submitter. Criteria: ACMG Guidelines, 2015. Collection method: clinical testing. Allele origin: germline.

GeneDx
Classification: Uncertain significance. Last evaluated: 2019-04-01. Review status: criteria provided, single submitter. Criteria: GeneDx Variant Classification Process June 2021. Collection method: clinical testing. Allele origin: germline. Affected: yes.
Comment: Not observed at a significant frequency in large population cohorts (Lek et al., 2016); In silico analysis, which includes protein predictors and evolutionary conservation, supports a deleterious effect; Has not been previously published as pathogenic or benign to our knowledge